The following is an entry in ClinVar:

NM_015909.4(NBAS):c.144A>C (p.Ala48=)

Gene: NBAS (NBAS subunit of NRZ tethering complex; minus strand). Cytogenetic location: 2p24.3.
Variant type: single nucleotide variant.
Coding change: c.144A>C on transcript NM_015909.4 (MANE Select); coding-DNA position 144, A replaced by C.
Protein change: p.Ala48=; no amino-acid change (alanine 48 retained).
Molecular consequence: synonymous variant. On other transcripts: non-coding transcript variant (1).
Genome position (GRCh38, 1-based): chr2:15,558,608, T>G on the plus strand (A>C on the coding strand, the complement: NBAS is on the minus strand). VCF-style: chr2-15558608-T-G. GRCh37 (hg19) VCF-style: chr2-15698732-T-G.
Other names: c.144A>C (NM_015909.3).
Identifiers: ClinVar variation 1942172 (VCV001942172.6), dbSNP rs777037939, ClinGen allele CA1537208.
Genomic context (GRCh38, chr2:15,558,608, plus strand): 5'-ATCATTACTGTAGAGAAATAAGCTATATTTACCTCGAATTGCTTTCGTGATGATAAAGGA[T>G]GCACCATGTTTTTGGTTGCCTCTAGGCTGGAATTTAAAACAAAAAACACTTACATTTGAA-3'
Protein context (NP_056993.2, residues 38-58): VQPRGNQKHG[Ala48=]SFIITKAIRD

ClinVar aggregate classification (germline): Likely benign. Review status: criteria provided, multiple submitters, no conflicts (2 of 4 stars). 2 submissions from 2 submitters: Likely benign (2). Last evaluated 2026-07-14.

Conditions:
NBAS-related disorder. Also called: NBAS-related condition.

Allele frequency attached by ClinVar (database versions not stated): TOPMed below 0.00001; gnomAD exomes 0.00002; ExAC 0.00003.
gnomAD v4.1: 13 of 1,613,160 alleles (0.00081%); highest among the groups gnomAD compares: East Asian, 0.029%; no homozygotes.

Submissions (2):

PreventionGenetics, part of Exact Sciences
Classification: Likely benign for NBAS-related condition. Last evaluated: 2026-07-14. Review status: criteria provided, single submitter. Criteria: ACMG Guidelines, 2015. Collection method: clinical testing. Allele origin: germline.
Comment: This variant is classified as likely benign based on ACMG/AMP sequence variant interpretation guidelines (Richards et al. 2015 PMID: 25741868, with internal and published modifications).

Labcorp Genetics (formerly Invitae), Labcorp
Classification: Likely benign. Last evaluated: 2026-01-11. Review status: criteria provided, single submitter. Criteria: Invitae Variant Classification Sherloc (09022015). Collection method: clinical testing. Allele origin: germline.